The following is an entry in ClinVar:

ClinVar aggregate classification (germline): Pathogenic (1 of 4 stars; one submission).

Submission:

GeneDx
Classification: Pathogenic. Last evaluated: 2025-04-14. Review status: criteria provided, single submitter. Criteria: GeneDx Variant Classification Process June 2021. Collection method: clinical testing. Allele origin: germline. Affected: yes.
Comment: Reported in a patient with clinical diagnosis of Diamond-Blackfan anemia (PMID: 30503522); Not observed at significant frequency in large population cohorts (gnomAD); Nonsense variant predicted to result in protein truncation or nonsense mediated decay in a gene for which loss of function is a known mechanism of disease; This variant is associated with the following publications: (PMID: 30503522)

NM_002948.5(RPL15):c.243C>G (p.Tyr81Ter)

Genes: NKIRAS1 (NFKB inhibitor interacting Ras like 1; minus strand), RPL15 (ribosomal protein L15; plus strand). Cytogenetic location: 3p24.2.
Variant type: single nucleotide variant.
Coding change: c.243C>G on transcript NM_002948.5 (MANE Select); coding-DNA position 243, C replaced by G.
Protein change: p.Tyr81Ter; replaces tyrosine 81 with a stop codon.
Molecular consequence: nonsense. On other transcripts: intron variant (1).
Genome position (GRCh38, 1-based): chr3:23,918,510, C>G. VCF-style: chr3-23918510-C-G. GRCh37 (hg19) VCF-style: chr3-23960001-C-G.
Other names: c.243C>G, p.Tyr81Ter (NM_001253379.2, NM_001253380.2, NM_001253382.2 and 2 more transcripts); c.-139-7060G>C (NM_001377380.1); short protein forms Y81*.
Identifiers: ClinVar variation 4282374 (VCV004282374.1).